The following is an entry in ClinVar:

NM_020318.3(PAPPA2):c.1352C>T (p.Ala451Val)

Gene: PAPPA2 (pappalysin 2; plus strand). Cytogenetic location: 1q25.2.
Variant type: single nucleotide variant.
Coding change: c.1352C>T on transcript NM_020318.3 (MANE Select); coding-DNA position 1352, C replaced by T.
Protein change: p.Ala451Val; replaces alanine 451 with valine.
Molecular consequence: missense variant.
Genome position (GRCh38, 1-based): chr1:176,594,956, C>T. VCF-style: chr1-176594956-C-T. GRCh37 (hg19) VCF-style: chr1-176564092-C-T.
Other names: c.1352C>T, p.Ala451Val (NM_021936.3); short protein forms A451V.
Identifiers: ClinVar variation 4130834 (VCV004130834.2).
Genomic context (GRCh38, chr1:176,594,956, plus strand): 5'-CCGCCCTGCCACAAAGCCATTTTCAGCACAGTTCTCAGCATTCAAGTGGGGAGGAGGAAG[C>T]GACTGACTTGGTCCTGACAGCGAGCTTTGAGCCTGTGAACACAGAGTGGGTTCCCTTTAG-3'
Protein context (NP_064714.2, residues 441-461): SSQHSSGEEE[Ala451Val]TDLVLTASFE

ClinVar aggregate classification (germline): Conflicting classifications of pathogenicity. Review status: criteria provided, conflicting classifications (1 of 4 stars). 2 submissions from 2 submitters: Uncertain significance (1); Likely benign (1). Last evaluated 2026-06-04.

Conditions:
Inborn genetic diseases. Identifiers: MedGen C0950123, MeSH D030342.

gnomAD v4.1: 786 of 1,614,180 alleles (0.049%); highest among the groups gnomAD compares: African/African-American, 0.74%; 3 homozygotes.

Submissions (2):

Women's Health and Genetics/Laboratory Corporation of America, LabCorp
Classification: Likely benign. Last evaluated: 2026-06-04. Review status: criteria provided, single submitter. Criteria: LabCorp Variant Classification Summary - May 2015. Collection method: clinical testing. Allele origin: germline.
Comment: Variant summary: PAPPA2 c.1352C>T (p.Ala451Val) results in a non-conservative amino acid change in the encoded protein sequence. Algorithms developed to predict the effect of missense changes on protein structure and function are either unavailable or do not agree on the potential impact of this missense change. The variant allele was found at a frequency of 0.00093 in 249584 control chromosomes, predominantly at a frequency of 0.0066 within the African or African-American subpopulation in the gnomAD database. The observed variant frequency within African or African-American control individuals in the gnomAD database exceeds the estimated maximal expected allele frequency for disease-causing variants in PAPPA2. To our knowledge, no occurrence of c.1352C>T in individuals affected with PAPPA2-related conditions and no experimental evidence demonstrating its impact on protein function have been reported. ClinVar contains an entry for this variant (Variation ID: 4130834). Based on the evidence outlined above, the variant was classified as likely benign.

Ambry Genetics
Classification: Uncertain significance for Inborn genetic diseases. Last evaluated: 2025-08-09. Review status: criteria provided, single submitter. Criteria: Ambry Variant Classification Scheme 2023. Collection method: clinical testing. Allele origin: germline.